The following is an entry in ClinVar:

NM_000059.4(BRCA2):c.1800T>G (p.Tyr600Ter)

Gene: BRCA2 (BRCA2 DNA repair associated; plus strand). Cytogenetic location: 13q13.1.
Variant type: single nucleotide variant.
Coding change: c.1800T>G on transcript NM_000059.4 (MANE Select); coding-DNA position 1800, T replaced by G.
Protein change: p.Tyr600Ter; replaces tyrosine 600 with a stop codon.
Molecular consequence: nonsense.
Genome position (GRCh38, 1-based): chr13:32,333,278, T>G. VCF-style: chr13-32333278-T-G. GRCh37 (hg19) VCF-style: chr13-32907415-T-G.
Other names: 2028T>G; short protein forms Y600*.
Identifiers: ClinVar variation 51199 (VCV000051199.29), dbSNP rs80358464, ClinGen allele CA013323.

ClinVar aggregate classification (germline): Pathogenic. Review status: reviewed by expert panel (3 of 4 stars). 13 submissions from 13 submitters: Pathogenic (1). 12 of the submissions do not count toward it. Last evaluated 2016-09-08.

Conditions:
Hereditary cancer-predisposing syndrome. Also called: Tumor predisposition; Neoplastic Syndromes, Hereditary; Hereditary Cancer Syndrome; Hereditary neoplastic syndrome. Identifiers: Orphanet 140162, MedGen C0027672, MeSH D009386, MONDO:0015356.
Hereditary breast ovarian cancer syndrome. Also called: Hereditary breast and/or ovarian cancer syndrome; Hereditary breast and ovarian cancer; Hereditary breast and ovarian cancer syndrome (HBOC); BRCA1- and BRCA2-Associated Hereditary Breast and Ovarian Cancer; Breast and ovarian cancer; Hereditary breast and ovarian cancer syndrome. Identifiers: Orphanet 145, MedGen C0677776, MeSH D061325, MONDO:0003582. Disease mechanism: loss of function.
Breast-ovarian cancer, familial, susceptibility to, 2 (BROVCA2). Also called: BRCA2 Hereditary Breast and Ovarian Cancer. Identifiers: Orphanet 145, MedGen C2675520, MONDO:0012933, OMIM 612555. Disease mechanism: loss of function.

Submissions (13):

Evidence-based Network for the Interpretation of Germline Mutant Alleles (ENIGMA)
Classification: Pathogenic for Breast-ovarian cancer, familial, susceptibility to, 2. Last evaluated: 2016-09-08. Review status: reviewed by expert panel. Criteria: ENIGMA BRCA1/2 Classification Criteria (2015). Collection method: curation. Allele origin: germline.
Comment: Variant allele predicted to encode a truncated non-functional protein.

Ambry Genetics
Classification: Pathogenic for Hereditary cancer-predisposing syndrome. Last evaluated: 2025-06-14. Review status: criteria provided, single submitter. Criteria: Ambry Variant Classification Scheme 2023. Collection method: clinical testing. Allele origin: germline. Not counted in ClinVar's aggregate classification.
Comment: The p.Y600* pathogenic mutation (also known as c.1800T>G), located in coding exon 9 of the BRCA2 gene, results from a T to G substitution at nucleotide position 1800. This changes the amino acid from a tyrosine to a stop codon within coding exon 9. This variant is considered to be rare based on population cohorts in the Genome Aggregation Database (gnomAD). This alteration is expected to result in loss of function by premature protein truncation or nonsense-mediated mRNA decay. As such, this alteration is interpreted as a disease-causing mutation.

Labcorp Genetics (formerly Invitae), Labcorp
Classification: Pathogenic for Hereditary breast ovarian cancer syndrome. Last evaluated: 2025-05-26. Review status: criteria provided, single submitter. Criteria: Invitae Variant Classification Sherloc (09022015). Collection method: clinical testing. Allele origin: germline. Not counted in ClinVar's aggregate classification.
Comment: This sequence change creates a premature translational stop signal (p.Tyr600*) in the BRCA2 gene. It is expected to result in an absent or disrupted protein product. Loss-of-function variants in BRCA2 are known to be pathogenic (PMID: 20104584). This variant is not present in population databases (gnomAD no frequency). This premature translational stop signal has been observed in individual(s) with breast cancer (PMID: 23320992, 26250392). ClinVar contains an entry for this variant (Variation ID: 51199). Algorithms developed to predict the effect of sequence changes on RNA splicing suggest that this variant may disrupt the consensus splice site. For these reasons, this variant has been classified as Pathogenic.

Color Diagnostics, LLC DBA Color Health
Classification: Pathogenic for Hereditary cancer-predisposing syndrome. Last evaluated: 2024-04-29. Review status: criteria provided, single submitter. Criteria: ACMG Guidelines, 2015. Collection method: clinical testing. Allele origin: germline. Not counted in ClinVar's aggregate classification.
Comment: This variant changes 1 nucleotide in exon 10 of the BRCA2 gene, creating a premature translation stop signal. This variant is expected to result in an absent or non-functional protein product. This variant has been observed in individuals affected with breast cancer (PMID: 23320992, 26250392, 33471991; Leiden Open Variation Database DB-ID BRCA2_004275). This variant has not been identified in the general population by the Genome Aggregation Database (gnomAD). Loss of BRCA2 function is a known mechanism of disease. Based on the available evidence, this variant is classified as Pathogenic.

GeneDx
Classification: Pathogenic. Last evaluated: 2023-10-18. Review status: criteria provided, single submitter. Criteria: GeneDx Variant Classification Process June 2021. Collection method: clinical testing. Allele origin: germline. Affected: yes. Not counted in ClinVar's aggregate classification.
Comment: Nonsense variant predicted to result in protein truncation or nonsense mediated decay in a gene for which loss of function is a known mechanism of disease; Truncating variants in this gene are considered pathogenic by a well-established clinical consortium and/or database; Not observed at significant frequency in large population cohorts (gnomAD); Also known as 2028T>G; This variant is associated with the following publications: (PMID: 23320992, 28281021, 26250392, 24156927, 31411802, 32377563, 28888541, 33206196, 29446198)

Revvity Omics, Revvity
Classification: Pathogenic. Last evaluated: 2022-04-27. Review status: criteria provided, single submitter. Criteria: ACMG Guidelines, 2015. Collection method: clinical testing. Allele origin: germline. Not counted in ClinVar's aggregate classification.

Quest Diagnostics Nichols Institute San Juan Capistrano
Classification: Pathogenic. Last evaluated: 2017-03-07. Review status: criteria provided, single submitter. Criteria: Quest Diagnostics criteria. Collection method: clinical testing. Allele origin: germline. Not counted in ClinVar's aggregate classification.

Laboratory for Molecular Medicine, Mass General Brigham Personalized Medicine
Classification: Pathogenic for Hereditary breast ovarian cancer syndrome. Last evaluated: 2016-12-23. Review status: criteria provided, single submitter. Criteria: LMM Criteria. Collection method: clinical testing. Allele origin: germline. Inheritance: Autosomal dominant inheritance. Observed: 1 variant allele. Not counted in ClinVar's aggregate classification.
Comment: The p.Tyr600X variant in BRCA2 has been reported in at least 3 individuals with BRCA2-associated cancers (Breast Cancer Information Core (BIC) database) and was absent from large population studies. This nonsense variant leads to a prematur e termination codon at position 600, which is predicted to lead to a truncated o r absent protein. Heterozygous loss of function of the BRCA2 gene is an establis hed disease mechanism in hereditary breast and ovarian cancer (HBOC). In additio n, this variant was classified as Pathogenic on September 8, 2016 by the ClinGen -approved ENIGMA expert panel (ClinVar SCV000300463.2). In summary, this variant meets criteria to be classified as pathogenic for HBOC in an autosomal dominant manner based upon the predicted impact to the protein.

Molecular Genetics Laboratory, University of Michigan
Classification: Pathogenic for Breast-ovarian cancer, familial, susceptibility to, 2. Last evaluated: 2016-04-21. Review status: criteria provided, single submitter. Criteria: ACMG Guidelines, 2015. Collection method: clinical testing. Allele origin: germline. Affected: yes. Not counted in ClinVar's aggregate classification.

Consortium of Investigators of Modifiers of BRCA1/2 (CIMBA), c/o University of Cambridge
Classification: Pathogenic for Breast-ovarian cancer, familial, susceptibility to, 2. Last evaluated: 2015-10-02. Review status: criteria provided, single submitter. Criteria: CIMBA Mutation Classification guidelines May 2016. Collection method: clinical testing. Allele origin: germline. Not counted in ClinVar's aggregate classification.

Research Molecular Genetics Laboratory, Women's College Hospital, University of Toronto
Classification: Pathogenic for Hereditary breast ovarian cancer syndrome. Last evaluated: 2014-01-31. Review status: no assertion criteria provided. Collection method: research. Allele origin: germline. Affected: yes. Study: The Canadian Open Genetics Repository (COGR). Not counted in ClinVar's aggregate classification.

Sharing Clinical Reports Project (SCRP)
Classification: Pathogenic for Breast-ovarian cancer, familial 2. Last evaluated: 2012-05-01. Review status: no assertion criteria provided. Collection method: clinical testing. Allele origin: germline. Not counted in ClinVar's aggregate classification.

Breast Cancer Information Core (BIC) (BRCA2)
Classification: Pathogenic for Breast-ovarian cancer, familial 2. Last evaluated: 2004-02-20. Review status: no assertion criteria provided. Collection method: clinical testing. Allele origin: germline. Affected: yes. Observed: 3 variant alleles. Not counted in ClinVar's aggregate classification.

Literature cited by the submitters: PubMed 20104584 (cited by Labcorp Genetics (formerly Invitae), Labcorp); PubMed 23320992 (cited by Labcorp Genetics (formerly Invitae), Labcorp and Color Diagnostics, LLC DBA Color Health); PubMed 26250392 (cited by Labcorp Genetics (formerly Invitae), Labcorp and Color Diagnostics, LLC DBA Color Health); PubMed 33471991 (cited by Color Diagnostics, LLC DBA Color Health).